The following is an entry in ClinVar:

NM_000231.3(SGCG):c.217G>A (p.Val73Ile)

Gene: SGCG (sarcoglycan gamma; plus strand). Cytogenetic location: 13q12.12.
Variant type: single nucleotide variant.
Coding change: c.217G>A on transcript NM_000231.3 (MANE Select); coding-DNA position 217, G replaced by A.
Protein change: p.Val73Ile; replaces valine 73 with isoleucine.
Molecular consequence: missense variant.
Genome position (GRCh38, 1-based): chr13:23,234,632, G>A. VCF-style: chr13-23234632-G-A. GRCh37 (hg19) VCF-style: chr13-23808771-G-A.
Other names: c.271G>A, p.Val91Ile (NM_001378244.1); c.217G>A, p.Val73Ile (NM_001378245.1, NM_001378246.1); c.217G>A (NM_000231.2); short protein forms V73I, V91I.
Identifiers: ClinVar variation 1036340 (VCV001036340.10), dbSNP rs763619480, ClinGen allele CA6909614.

ClinVar aggregate classification (germline): Uncertain significance. Review status: criteria provided, multiple submitters, no conflicts (2 of 4 stars). 3 submissions from 3 submitters: Uncertain significance (2). 1 of the submissions does not count toward it. Last evaluated 2024-09-20.

Conditions:
Autosomal recessive limb-girdle muscular dystrophy type 2C (LGMDR5). Also called: MUSCULAR DYSTROPHY, LIMB-GIRDLE, AUTOSOMAL RECESSIVE 5; MUSCULAR DYSTROPHY, DUCHENNE-LIKE. Identifiers: Orphanet 353, MedGen C0410173, MONDO:0009677, OMIM 253700. Disease mechanism: Affects gamma-sarcoglycan and also disrupts the integrity of the entire sarcoglycan complex..

Allele frequency attached by ClinVar (database versions not stated): gnomAD exomes below 0.00001; ExAC 0.00001; TOPMed 0.00001.
gnomAD v4.1: 5 of 1,610,974 alleles (0.00031%); highest among the groups gnomAD compares: African/African-American, 0.004%; 1 homozygote.

Submissions (3):

Revvity Omics, Revvity
Classification: Uncertain significance for Autosomal recessive limb-girdle muscular dystrophy type 2C. Last evaluated: 2024-09-20. Review status: criteria provided, single submitter. Criteria: ACMG Guidelines, 2015. Collection method: clinical testing. Allele origin: germline.

Labcorp Genetics (formerly Invitae), Labcorp
Classification: Uncertain significance for Autosomal recessive limb-girdle muscular dystrophy type 2C. Last evaluated: 2022-06-13. Review status: criteria provided, single submitter. Criteria: Invitae Variant Classification Sherloc (09022015). Collection method: clinical testing. Allele origin: germline.
Comment: This sequence change replaces valine, which is neutral and non-polar, with isoleucine, which is neutral and non-polar, at codon 73 of the SGCG protein (p.Val73Ile). This variant is present in population databases (rs763619480, gnomAD 0.007%). This variant has not been reported in the literature in individuals affected with SGCG-related conditions. ClinVar contains an entry for this variant (Variation ID: 1036340). Algorithms developed to predict the effect of missense changes on protein structure and function are either unavailable or do not agree on the potential impact of this missense change (SIFT: "Tolerated"; PolyPhen-2: "Possibly Damaging"; Align-GVGD: "Class C0"). In summary, the available evidence is currently insufficient to determine the role of this variant in disease. Therefore, it has been classified as a Variant of Uncertain Significance.

Natera, Inc.
Classification: Uncertain significance for Limb-girdle muscular dystrophy type 2C. Last evaluated: 2020-10-05. Review status: no assertion criteria provided. Collection method: clinical testing. Allele origin: germline. Not counted in ClinVar's aggregate classification.